The following is an entry in ClinVar:

NM_016507.4(CDK12):c.250T>A (p.Ser84Thr)

Genes: CDK12 (cyclin dependent kinase 12; plus strand), LOC126862553 (CDK7 strongly-dependent group 2 enhancer GRCh37_chr17:37618166-37619365; plus strand). Cytogenetic location: 17q12.
Variant type: single nucleotide variant.
Coding change: c.250T>A on transcript NM_016507.4 (MANE Select); coding-DNA position 250, T replaced by A.
Protein change: p.Ser84Thr; replaces serine 84 with threonine.
Molecular consequence: missense variant.
Genome position (GRCh38, 1-based): chr17:39,462,321, T>A. VCF-style: chr17-39462321-T-A. GRCh37 (hg19) VCF-style: chr17-37618574-T-A.
Other names: c.250T>A, p.Ser84Thr (NM_015083.4); short protein forms S84T.
Identifiers: ClinVar variation 5034064 (VCV005034064.1).

ClinVar aggregate classification (germline): Uncertain significance (1 of 4 stars; one submission).

Submission:

Ambry Genetics
Classification: Uncertain significance. Last evaluated: 2026-06-25. Review status: criteria provided, single submitter. Criteria: Ambry Variant Classification Scheme 2023. Collection method: clinical testing. Allele origin: germline.
Comment: The p.S84T variant (also known as c.250T>A), located in coding exon 1 of the CDK12 gene, results from a T to A substitution at nucleotide position 250. The serine at codon 84 is replaced by threonine, an amino acid with similar properties. This amino acid position is conserved. In addition, this alteration is predicted to be tolerated by in silico analysis. Based on the available evidence, the clinical significance of this variant remains unclear.